The following is an entry in ClinVar:

NM_001145678.3(KIAA0825):c.3516C>A (p.Ile1172=)

Gene: KIAA0825 (KIAA0825; minus strand). Cytogenetic location: 5q15.
Variant type: single nucleotide variant.
Coding change: c.3516C>A on transcript NM_001145678.3 (MANE Select); coding-DNA position 3516, C replaced by A.
Protein change: p.Ile1172=; no amino-acid change (isoleucine 1172 retained).
Molecular consequence: synonymous variant. On other transcripts: non-coding transcript variant (1).
Genome position (GRCh38, 1-based): chr5:94,386,345, G>T on the plus strand (C>A on the coding strand, the complement: KIAA0825 is on the minus strand). VCF-style: chr5-94386345-G-T. GRCh37 (hg19) VCF-style: chr5-93722050-G-T.
Other names: c.3531C>A, p.Ile1177= (NM_001385712.1, NM_001385713.1, NM_001388325.1).
Identifiers: ClinVar variation 3057167 (VCV003057167.2), dbSNP rs29913, ClinGen allele CA3343956.

ClinVar aggregate classification (germline): Benign (0 of 4 stars; one submission).

Conditions:
KIAA0825-related disorder. Also called: KIAA0825-related condition.

Allele frequency attached by ClinVar (database versions not stated): 1000 Genomes Project 0.11601; 1000 Genomes Project 30x 0.11649; TOPMed 0.12970; gnomAD 0.13414; ExAC 0.15919.
gnomAD v4.1: 224,696 of 1,550,736 alleles (14%); highest among the groups gnomAD compares: South Asian, 18%; 17,418 homozygotes.

Submission:

PreventionGenetics, part of Exact Sciences
Classification: Benign for KIAA0825-related condition. Last evaluated: 2019-11-19. Review status: no assertion criteria provided. Collection method: clinical testing. Allele origin: germline.
Comment: This variant is classified as benign based on ACMG/AMP sequence variant interpretation guidelines (Richards et al. 2015 PMID: 25741868, with internal and published modifications).